The following is an entry in ClinVar:

NM_001009944.3(PKD1):c.6385C>T (p.Leu2129=)

Gene: PKD1 (polycystin 1, transient receptor potential channel interacting; minus strand). Cytogenetic location: 16p13.3.
Variant type: single nucleotide variant.
Coding change: c.6385C>T on transcript NM_001009944.3 (MANE Select); coding-DNA position 6385, C replaced by T.
Protein change: p.Leu2129=; no amino-acid change (leucine 2129 retained).
Molecular consequence: synonymous variant.
Genome position (GRCh38, 1-based): chr16:2,108,782, G>A on the plus strand (C>T on the coding strand, the complement: PKD1 is on the minus strand). VCF-style: chr16-2108782-G-A. GRCh37 (hg19) VCF-style: chr16-2158783-G-A.
Other names: c.6385C>T, p.Leu2129= (NM_000296.4).
Identifiers: ClinVar variation 4991673 (VCV004991673.1).

ClinVar aggregate classification (germline): Likely benign (1 of 4 stars; one submission).

Conditions:
PKD1-related disorder. Also called: PKD1-related condition.

gnomAD v4.1: 4 of 1,571,006 alleles (0.00025%); highest among the groups gnomAD compares: East Asian, 0.0047%; no homozygotes.

Submission:

PreventionGenetics, part of Exact Sciences
Classification: Likely benign for PKD1-related condition. Last evaluated: 2026-04-17. Review status: criteria provided, single submitter. Criteria: ACMG Guidelines, 2015. Collection method: clinical testing. Allele origin: germline.
Comment: This variant is classified as likely benign based on ACMG/AMP sequence variant interpretation guidelines (Richards et al. 2015 PMID: 25741868, with internal and published modifications).